The following is an entry in ClinVar:

ClinVar aggregate classification (germline): Uncertain significance (1 of 4 stars; one submission).

Conditions:
Inborn genetic diseases. Identifiers: MedGen C0950123, MeSH D030342.

gnomAD v4.1: 17 of 1,614,088 alleles (0.0011%); highest among the groups gnomAD compares: East Asian, 0.0022%; no homozygotes.

Submission:

Ambry Genetics
Classification: Uncertain significance for Inborn genetic diseases. Last evaluated: 2025-09-22. Review status: criteria provided, single submitter. Criteria: Ambry Variant Classification Scheme 2023. Collection method: clinical testing. Allele origin: germline.
Comment: The c.472C>T (p.R158C) alteration is located in exon 2 (coding exon 1) of the POMGNT2 gene. This alteration results from a C to T substitution at nucleotide position 472, causing the arginine (R) at amino acid position 158 to be replaced by a cysteine (C). This allele was reported in one heterozygous individual in population-based cohorts in the Genome Aggregation Database (gnomAD). This amino acid position is highly conserved in available vertebrate species. This alteration is predicted to be deleterious by in silico analysis. Based on insufficient or conflicting evidence, the clinical significance of this alteration remains unclear.

NM_032806.6(POMGNT2):c.472C>T (p.Arg158Cys)

Gene: POMGNT2 (protein O-linked mannose N-acetylglucosaminyltransferase 2 (beta 1,4-); minus strand). Cytogenetic location: 3p22.1.
Variant type: single nucleotide variant.
Coding change: c.472C>T on transcript NM_032806.6 (MANE Select); coding-DNA position 472, C replaced by T.
Protein change: p.Arg158Cys; replaces arginine 158 with cysteine.
Molecular consequence: missense variant.
Genome position (GRCh38, 1-based): chr3:43,080,960, G>A on the plus strand (C>T on the coding strand, the complement: POMGNT2 is on the minus strand). VCF-style: chr3-43080960-G-A. GRCh37 (hg19) VCF-style: chr3-43122452-G-A.
Other names: short protein forms R158C.
Identifiers: ClinVar variation 3936152 (VCV003936152.2).
Genomic context (GRCh38, chr3:43,080,960, plus strand): 5'-TGTAGAAGAGTGGCAGCAGGTCGTCATGAAAGACGTGCATGAGGTTGTCGGGGTTGAAGC[G>A]GTTGGCGATGAGGGCCACGTCTGGCACGAACACCGGCTTGGGCATGAAGCGCAGGGCAGC-3'
Protein context (NP_116195.2, residues 148-168): FVPDVALIAN[Arg158Cys]FNPDNLMHVF